The following is an entry in ClinVar:

ClinVar aggregate classification (germline): Uncertain significance (1 of 4 stars; one submission).

Conditions:
Inborn genetic diseases. Identifiers: MedGen C0950123, MeSH D030342.

Submission:

Ambry Genetics
Classification: Uncertain significance for Inborn genetic diseases. Last evaluated: 2025-04-12. Review status: criteria provided, single submitter. Criteria: Ambry Variant Classification Scheme 2023. Collection method: clinical testing. Allele origin: germline.
Comment: The p.H254D variant (also known as c.760C>G), located in coding exon 6 of the BMPR2 gene, results from a C to G substitution at nucleotide position 760. The histidine at codon 254 is replaced by aspartic acid, an amino acid with similar properties. This amino acid position is conserved. In addition, this alteration is predicted to be deleterious by in silico analysis. Based on the available evidence, the clinical significance of this variant remains unclear.

NM_001204.7(BMPR2):c.760C>G (p.His254Asp)

Gene: BMPR2 (bone morphogenetic protein receptor type 2; plus strand). Cytogenetic location: 2q33.2.
Variant type: single nucleotide variant.
Coding change: c.760C>G on transcript NM_001204.7 (MANE Select); coding-DNA position 760, C replaced by G.
Protein change: p.His254Asp; replaces histidine 254 with aspartic acid.
Molecular consequence: missense variant.
Genome position (GRCh38, 1-based): chr2:202,518,960, C>G. VCF-style: chr2-202518960-C-G. GRCh37 (hg19) VCF-style: chr2-203383683-C-G.
Other names: short protein forms H254D.
Identifiers: ClinVar variation 3992116 (VCV003992116.1).